The following is an entry in ClinVar:

ClinVar aggregate classification (germline): Uncertain significance. Review status: criteria provided, multiple submitters, no conflicts (2 of 4 stars). 2 submissions from 2 submitters: Uncertain significance (2). Last evaluated 2025-11-10.

Conditions:
Hereditary cancer-predisposing syndrome. Also called: Tumor predisposition; Hereditary Cancer Syndrome; Hereditary neoplastic syndrome; Neoplastic Syndromes, Hereditary. Identifiers: Orphanet 140162, MedGen C0027672, MeSH D009386, MONDO:0015356.
Parathyroid carcinoma (PRTC). Also called: Parathyroid gland carcinoma; CDC73-Related Parathyroid Carcinoma. Identifiers: Orphanet 143, MedGen C0687150, MONDO:0012004, OMIM 608266, HP:0006780.

Submissions (2):

Ambry Genetics
Classification: Uncertain significance for Hereditary cancer-predisposing syndrome. Last evaluated: 2025-11-10. Review status: criteria provided, single submitter. Criteria: Ambry Variant Classification Scheme 2023. Collection method: clinical testing. Allele origin: germline.
Comment: The p.R348I variant (also known as c.1043G>T), located in coding exon 12 of the CDC73 gene, results from a G to T substitution at nucleotide position 1043. The arginine at codon 348 is replaced by isoleucine, an amino acid with similar properties. This amino acid position is conserved. In addition, the in silico prediction for this alteration is inconclusive. Since supporting evidence is limited at this time, the clinical significance of this alteration remains unclear.

Labcorp Genetics (formerly Invitae), Labcorp
Classification: Uncertain significance for Parathyroid carcinoma. Last evaluated: 2024-11-06. Review status: criteria provided, single submitter. Criteria: Invitae Variant Classification Sherloc (09022015). Collection method: clinical testing. Allele origin: germline.
Comment: This sequence change replaces arginine, which is basic and polar, with isoleucine, which is neutral and non-polar, at codon 348 of the CDC73 protein (p.Arg348Ile). This variant is not present in population databases (gnomAD no frequency). This variant has not been reported in the literature in individuals affected with CDC73-related conditions. ClinVar contains an entry for this variant (Variation ID: 2590659). Invitae Evidence Modeling of protein sequence and biophysical properties (such as structural, functional, and spatial information, amino acid conservation, physicochemical variation, residue mobility, and thermodynamic stability) indicates that this missense variant is not expected to disrupt CDC73 protein function with a negative predictive value of 80%. In summary, the available evidence is currently insufficient to determine the role of this variant in disease. Therefore, it has been classified as a Variant of Uncertain Significance.

NM_024529.5(CDC73):c.1043G>T (p.Arg348Ile)

Gene: CDC73 (cell division cycle 73; plus strand). Cytogenetic location: 1q31.2.
Variant type: single nucleotide variant.
Coding change: c.1043G>T on transcript NM_024529.5 (MANE Select); coding-DNA position 1043, G replaced by T.
Protein change: p.Arg348Ile; replaces arginine 348 with isoleucine.
Molecular consequence: missense variant.
Genome position (GRCh38, 1-based): chr1:193,212,077, G>T. VCF-style: chr1-193212077-G-T. GRCh37 (hg19) VCF-style: chr1-193181207-G-T.
Other names: short protein forms R348I.
Identifiers: ClinVar variation 2590659 (VCV002590659.5), dbSNP rs2527455721, ClinGen allele CA344077444.